The following is an entry in ClinVar:

ClinVar aggregate classification (germline): Uncertain significance (1 of 4 stars; one submission).

Conditions:
Hereditary cancer-predisposing syndrome. Also called: Neoplastic Syndromes, Hereditary; Tumor predisposition; Hereditary Cancer Syndrome; Hereditary neoplastic syndrome. Identifiers: Orphanet 140162, MedGen C0027672, MeSH D009386, MONDO:0015356.

Submission:

Ambry Genetics
Classification: Uncertain significance for Hereditary cancer-predisposing syndrome. Last evaluated: 2019-09-30. Review status: criteria provided, single submitter. Criteria: Ambry Variant Classification Scheme 2023. Collection method: clinical testing. Allele origin: germline.
Comment: The p.L618S variant (also known as c.1853T>C), located in coding exon 9 of the BARD1 gene, results from a T to C substitution at nucleotide position 1853. The leucine at codon 618 is replaced by serine, an amino acid with dissimilar properties. This amino acid position is not well conserved in available vertebrate species. In addition, this alteration is predicted to be tolerated by in silico analysis. Since supporting evidence is limited at this time, the clinical significance of this alteration remains unclear.

NM_000465.4(BARD1):c.1853T>C (p.Leu618Ser)

Gene: BARD1 (BRCA1 associated RING domain 1; minus strand). Cytogenetic location: 2q35.
Variant type: single nucleotide variant.
Coding change: c.1853T>C on transcript NM_000465.4 (MANE Select); coding-DNA position 1853, T replaced by C.
Protein change: p.Leu618Ser; replaces leucine 618 with serine.
Molecular consequence: missense variant. On other transcripts: non-coding transcript variant (3), intron variant (1).
Genome position (GRCh38, 1-based): chr2:214,745,117, A>G on the plus strand (T>C on the coding strand, the complement: BARD1 is on the minus strand). VCF-style: chr2-214745117-A-G. GRCh37 (hg19) VCF-style: chr2-215609841-A-G.
Other names: c.1796T>C, p.Leu599Ser (NM_001282543.2); c.500T>C, p.Leu167Ser (NM_001282545.2); c.443T>C, p.Leu148Ser (NM_001282548.2); c.365-14609T>C (NM_001282549.2); short protein forms L599S, L618S, L148S, L167S.
Identifiers: ClinVar variation 1781378 (VCV001781378.2), dbSNP rs1553614952, ClinGen allele CA350452197.